The following is an entry in ClinVar:

NM_152564.5(VPS13B):c.7406A>G (p.His2469Arg)

Gene: VPS13B (vacuolar protein sorting 13 homolog B; plus strand). Cytogenetic location: 8q22.2.
Variant type: single nucleotide variant.
Coding change: c.7406A>G on transcript NM_152564.5 (MANE Select); coding-DNA position 7406, A replaced by G.
Protein change: p.His2469Arg; replaces histidine 2469 with arginine.
Molecular consequence: missense variant.
Genome position (GRCh38, 1-based): chr8:99,776,933, A>G. VCF-style: chr8-99776933-A-G. GRCh37 (hg19) VCF-style: chr8-100789161-A-G.
Other names: c.7481A>G, p.His2494Arg (NM_017890.5); short protein forms H2469R, H2494R.
Identifiers: ClinVar variation 1948862 (VCV001948862.2), dbSNP rs2491830845, ClinGen allele CA371875872.

ClinVar aggregate classification (germline): Uncertain significance (1 of 4 stars; one submission).

Conditions:
Cohen syndrome (COH1). Also called: Cutis verticis gyrata, retinitis pigmentosa, and sensorineural deafness; PEPPER SYNDROME. Identifiers: Orphanet 193, MedGen C0265223, MONDO:0008999, OMIM 216550.

Submission:

Labcorp Genetics (formerly Invitae), Labcorp
Classification: Uncertain significance for Cohen syndrome. Last evaluated: 2022-07-02. Review status: criteria provided, single submitter. Criteria: Invitae Variant Classification Sherloc (09022015). Collection method: clinical testing. Allele origin: germline.
Comment: This sequence change replaces histidine, which is basic and polar, with arginine, which is basic and polar, at codon 2494 of the VPS13B protein (p.His2494Arg). This variant is not present in population databases (gnomAD no frequency). This variant has not been reported in the literature in individuals affected with VPS13B-related conditions. Algorithms developed to predict the effect of missense changes on protein structure and function are either unavailable or do not agree on the potential impact of this missense change (SIFT: "Not Available"; PolyPhen-2: "Possibly Damaging"; Align-GVGD: "Not Available"). In summary, the available evidence is currently insufficient to determine the role of this variant in disease. Therefore, it has been classified as a Variant of Uncertain Significance.